The following is an entry in ClinVar:

ClinVar aggregate classification (germline): Conflicting classifications of pathogenicity. Review status: criteria provided, conflicting classifications (1 of 4 stars). 2 submissions from 2 submitters: Uncertain significance (1); Likely benign (1). Last evaluated 2025-06-12.

Conditions:
Hereditary cancer-predisposing syndrome. Also called: Tumor predisposition; Hereditary Cancer Syndrome; Neoplastic Syndromes, Hereditary; Hereditary neoplastic syndrome. Identifiers: Orphanet 140162, MedGen C0027672, MeSH D009386, MONDO:0015356.

Allele frequency attached by ClinVar (database versions not stated): gnomAD exomes below 0.00001.
gnomAD v4.1: 2 of 1,613,896 alleles (0.00012%); highest among the groups gnomAD compares: South Asian, 0.0011%; no homozygotes.

Submissions (2):

Ambry Genetics
Classification: Uncertain significance for Hereditary cancer-predisposing syndrome. Last evaluated: 2025-06-12. Review status: criteria provided, single submitter. Criteria: Ambry Variant Classification Scheme 2023. Collection method: clinical testing. Allele origin: germline.
Comment: The p.S844G variant (also known as c.2530A>G), located in coding exon 9 of the BRCA1 gene, results from an A to G substitution at nucleotide position 2530. The serine at codon 844 is replaced by glycine, an amino acid with similar properties. This amino acid position is not well conserved in available vertebrate species. In addition, the in silico prediction for this alteration is inconclusive. Based on the available evidence, the clinical significance of this variant remains unclear.

University of Washington Department of Laboratory Medicine, University of Washington
Classification: Likely benign for Hereditary cancer-predisposing syndrome. Last evaluated: 2023-03-23. Review status: criteria provided, single submitter. Criteria: Dines et al. (Genet Med. 2020). Collection method: curation. Allele origin: germline.
Comment: Missense variant in a coldspot region where missense variants are very unlikely to be pathogenic (PMID:31911673).

BRCA1 coldspot (exon 11 using historical exon numbering). Reclassification based on statistical prior probability

NM_007294.4(BRCA1):c.2530A>G (p.Ser844Gly)

Gene: BRCA1 (BRCA1 DNA repair associated; minus strand). Cytogenetic location: 17q21.31.
Variant type: single nucleotide variant.
Coding change: c.2530A>G on transcript NM_007294.4 (MANE Select); coding-DNA position 2530, A replaced by G.
Protein change: p.Ser844Gly; replaces serine 844 with glycine.
Molecular consequence: missense variant. On other transcripts: intron variant (137).
Genome position (GRCh38, 1-based): chr17:43,093,001, T>C on the plus strand (A>G on the coding strand, the complement: BRCA1 is on the minus strand). VCF-style: chr17-43093001-T-C. GRCh37 (hg19) VCF-style: chr17-41245018-T-C.
Other names: c.2389A>G, p.Ser797Gly (NM_001407735.1, NM_001407734.1, NM_001407730.1 and 29 more transcripts); c.2386A>G, p.Ser796Gly (NM_001407740.1, NM_001407741.1, NM_001407742.1 and 20 more transcripts); c.2317A>G, p.Ser773Gly (NM_001407853.1, NM_001407894.1, NM_001407895.1 and 9 more transcripts); c.2530A>G, p.Ser844Gly (NM_001407854.1, NM_001407858.1, NM_001407859.1 and 30 more transcripts); c.2527A>G, p.Ser843Gly (NM_001407860.1, NM_001407861.1, NM_001407587.1 and 22 more transcripts); c.2329A>G, p.Ser777Gly (NM_001407862.1); c.2407A>G, p.Ser803Gly (NM_001407863.1, NM_001407919.1, NM_001407937.1 and 19 more transcripts); c.2326A>G, p.Ser776Gly (NM_001407874.1, NM_001407875.1); and 41 more; short protein forms S732G, S756G, S773G, S802G, S843G, S716G, S733G, S796G.
Identifiers: ClinVar variation 1792691 (VCV001792691.5), dbSNP rs1420399110, ClinGen allele CA10596939.